The following is an entry in ClinVar:

NM_000135.4(FANCA):c.3722dup (p.Asn1241fs)

Gene: FANCA (FA complementation group A; minus strand). Cytogenetic location: 16q24.3.
Variant type: Duplication.
Coding change: c.3722dup on transcript NM_000135.4 (MANE Select); coding-DNA position 3722, one base duplicated (A; older notation c.3722dupA).
Protein change: p.Asn1241fs; shifts the reading frame from asparagine 1241.
Molecular consequence: frameshift variant.
Genome position (GRCh38, 1-based): chr16:89,742,843, T duplicated on the plus strand (A on the coding strand, the reverse complement: FANCA is on the minus strand); the first of 4 consecutive T bases (chr16:89,742,843-89,742,846); duplicating any one gives the same sequence. VCF-style (leftmost placement, unchanged base first): chr16-89742842-G-GT. GRCh37 (hg19) VCF-style: chr16-89809250-G-GT.
Other names: c.3722dup, p.Asn1241fs (NM_001286167.3); short protein forms N1241fs.
Identifiers: ClinVar variation 4067932 (VCV004067932.2).

ClinVar aggregate classification (germline): Likely pathogenic (1 of 4 stars; one submission).

Conditions:
Fanconi anemia (FA). Also called: Fanconi's anemia. Identifiers: Orphanet 84, MedGen C0015625, MeSH D005199, MONDO:0019391.

Submission:

Natera, Inc.
Classification: Likely pathogenic for Fanconi anemia. Last evaluated: 2025-05-12. Review status: criteria provided, single submitter. Criteria: Natera Variant Classification Schema (03/2026). Collection method: clinical testing. Allele origin: germline.
Comment: The c.3722dup variant in FANCA is a frameshift variant predicted to shift the reading frame beginning at codon 1241 and leads to a stop codon 37 codons downstream. This variant is expected to result in nonsense mediated decay, truncation, or a dysfunctional protein product. This variant is rare in the general population with a frequency below the threshold expected for the associated phenotype(s). Given the available evidence, this variant is classified as Likely Pathogenic.